The following is an entry in ClinVar:

NM_004415.4(DSP):c.5656_5657del (p.Glu1886fs)

Gene: DSP (desmoplakin; plus strand). Cytogenetic location: 6p24.3.
Variant type: Microsatellite.
Coding change: c.5656_5657del on transcript NM_004415.4 (MANE Select); coding-DNA positions 5656 to 5657, 2 bases deleted (GA; older notation c.5656_5657delGA).
Protein change: p.Glu1886fs; shifts the reading frame from glutamic acid 1886.
Molecular consequence: frameshift variant.
Genome position (GRCh38, 1-based): chr6:7,582,918-7,582,919, GA deleted; deleting any 2 consecutive bases within chr6:7,582,915-7,582,919 gives the same sequence; the c. name uses the placement nearest the transcript's 3' end. VCF-style (leftmost placement, unchanged base first): chr6-7582914-AAG-A. GRCh37 (hg19) VCF-style: chr6-7583147-AAG-A.
Other names: c.3859_3860del, p.Glu1287fs (NM_001008844.3); c.4327_4328del, p.Glu1443fs (NM_001319034.2); short protein forms E1287fs, E1886fs, E1443fs.
Identifiers: ClinVar variation 963169 (VCV000963169.10), dbSNP rs1759489185, ClinGen allele CA1608606497.
Genomic context (GRCh38, chr6:7,582,914, plus strand): 5'-GAATCAGTGGAAGACTCAATATTCCCGCAAGGAGGAGGCTATTAGGAAGATAGAATCGGA[AAG>A]AGAAAAGAGTGAGAGAGAGAAGAACAGTCTTAGGAGTGAGATCGAAAGACTCCAAGCAGA-3'

ClinVar aggregate classification (germline): Pathogenic (1 of 4 stars; one submission).

Conditions:
Arrhythmogenic right ventricular dysplasia 8 (ARVD8). Also called: ARRHYTHMOGENIC RIGHT VENTRICULAR CARDIOMYOPATHY 8; Arrhythmogenic Right Ventricular Dysplasia/Cardiomyopathy 8; ARRHYTHMOGENIC RIGHT VENTRICULAR DYSPLASIA, FAMILIAL, 8. Identifiers: MedGen C1843896, MONDO:0011831, OMIM 607450.
Arrhythmogenic cardiomyopathy with wooly hair and keratoderma. Also called: Carvajal syndrome; Arrhythmogenic cardiomyopathy with woolly hair and keratoderma; Dilated cardiomyopathy with woolly hair and keratoderma; PALMOPLANTAR KERATODERMA WITH LEFT VENTRICULAR CARDIOMYOPATHY AND WOOLLY HAIR. Identifiers: Orphanet 65282, MedGen C1854063, MONDO:0011581, OMIM 605676.

Submission:

Labcorp Genetics (formerly Invitae), Labcorp
Classification: Pathogenic for Arrhythmogenic cardiomyopathy with wooly hair and keratoderma; Arrhythmogenic right ventricular dysplasia 8. Last evaluated: 2025-12-26. Review status: criteria provided, single submitter. Criteria: Invitae Variant Classification Sherloc (09022015). Collection method: clinical testing. Allele origin: germline.
Comment: This sequence change creates a premature translational stop signal (p.Glu1886Lysfs*3) in the DSP gene. While this is not anticipated to result in nonsense mediated decay, it is expected to disrupt the last 986 amino acid(s) of the DSP protein. This variant is not present in population databases (gnomAD no frequency). This variant has not been reported in the literature in individuals affected with DSP-related conditions. ClinVar contains an entry for this variant (Variation ID: 963169). This variant disrupts a region of the DSP protein in which other variant(s) (p.Thr2634Lysfs*4) have been determined to be pathogenic (PMID: 11063735). This suggests that this is a clinically significant region of the protein, and that variants that disrupt it are likely to be disease-causing. For these reasons, this variant has been classified as Pathogenic.

Literature cited by the submitters: PubMed 11063735.